The following is an entry in ClinVar:

NM_001128840.3(CACNA1D):c.6347_6348inv (p.Asn2116Ser)

Gene: CACNA1D (calcium voltage-gated channel subunit alpha1 D; plus strand). Cytogenetic location: 3p21.1.
Variant type: Inversion.
Coding change: c.6347_6348inv on transcript NM_001128840.3 (MANE Select).
Protein change: p.Asn2116Ser; replaces asparagine 2116 with serine.
Molecular consequence: missense variant.
Genome position: GRCh38 VCF-style: chr3-53811267-AC-GT. GRCh37 (hg19) VCF-style: chr3-53845294-AC-GT.
Other names: c.6407_6408inv, p.Asn2136Ser (NM_000720.4); c.6275_6276inv, p.Asn2092Ser (NM_001128839.3); short protein forms N2116S, N2092S, N2136S.
Identifiers: ClinVar variation 422388 (VCV000422388.8), ClinGen allele CA16618005.
Genomic context (GRCh38, chr3:53,811,267, plus strand): 5'-TCGACGAGATGGAGAGTGCAGCCAGCACCCTGCTTAATGGGAACGTGCGTCCCCGAGCCA[AC>GT]GGGGATGTGGGCCCCCTCTCACACCGGCAGGACTATGAGCTACAGGACTTTGGTCCTGGC-3'
Protein context (NP_001122312.1, residues 2106-2126): LLNGNVRPRA[Asn2116Ser]GDVGPLSHRQ

ClinVar aggregate classification (germline): Uncertain significance. Review status: criteria provided, multiple submitters, no conflicts (2 of 4 stars). 3 submissions from 3 submitters: Uncertain significance (3). Last evaluated 2025-12-09.

Submissions (3):

Labcorp Genetics (formerly Invitae), Labcorp
Classification: Uncertain significance. Last evaluated: 2025-12-09. Review status: criteria provided, single submitter. Criteria: Invitae Variant Classification Sherloc (09022015). Collection method: clinical testing. Allele origin: germline.
Comment: This sequence change replaces asparagine, which is neutral and polar, with serine, which is neutral and polar, at codon 2136 of the CACNA1D protein (p.Asn2136Ser). The frequency data for this variant in the population databases is considered unreliable, as metrics indicate poor data quality at this position in the gnomAD database. This missense change has been observed in individual(s) with clinical features of CACNA1D-related conditions (PMID: 33057194, 35982159). ClinVar contains an entry for this variant (Variation ID: 422388). An algorithm developed to predict the effect of missense changes on protein structure and function (PolyPhen-2) suggests that this variant is likely to be tolerated. In summary, the available evidence is currently insufficient to determine the role of this variant in disease. Therefore, it has been classified as a Variant of Uncertain Significance.

ARUP Laboratories, Molecular Genetics and Genomics, ARUP Laboratories
Classification: Uncertain significance. Last evaluated: 2025-04-28. Review status: criteria provided, single submitter. Criteria: ARUP Molecular Germline Variant Investigation Process 2024. Collection method: clinical testing. Allele origin: germline.

GeneDx
Classification: Uncertain significance. Last evaluated: 2016-10-04. Review status: criteria provided, single submitter. Criteria: GeneDx Variant Classification (06012015). Collection method: clinical testing. Allele origin: germline. Affected: yes.
Comment: The c.6407_6408delACinsGT variant in the CACNA1D gene has not been reported previously as a pathogenic variant, nor as a benign variant, to our knowledge. The c.6407_6408delACinsGT variant causes an in frame substitution of an Asparagine residue at codon 2136, changes this amino acid to a Serine residue, denoted p.N2136S. The c.6407_6408delACinsGT variant is a conservative amino acid substitution, which is not likely to impact secondary protein structure as these residues share similar properties. This substitution occurs at a position that is not conserved. In silico analysis is inconsistent in its predictions as to whether or not the variant is damaging to the protein structure/function. However, the c.6407_6408delACinsGT variant was not observed in approximately 6500 individuals of European and African American ancestry in the NHLBI Exome Sequencing Project, indicating it is not a common benign variant in these populations. We interpret c.6407_6408delACinsGT as a variant of uncertain significance.

Literature cited by the submitters: PubMed 33057194 (cited by Labcorp Genetics (formerly Invitae), Labcorp); PubMed 35982159 (cited by Labcorp Genetics (formerly Invitae), Labcorp).